The following is an entry in ClinVar:

NM_003922.4(HERC1):c.9360A>G (p.Pro3120=)

Gene: HERC1 (HECT and RLD domain containing E3 ubiquitin protein ligase family member 1; minus strand). Cytogenetic location: 15q22.31.
Variant type: single nucleotide variant.
Coding change: c.9360A>G on transcript NM_003922.4 (MANE Select); coding-DNA position 9360, A replaced by G.
Protein change: p.Pro3120=; no amino-acid change (proline 3120 retained).
Molecular consequence: synonymous variant.
Genome position (GRCh38, 1-based): chr15:63,659,800, T>C on the plus strand (A>G on the coding strand, the complement: HERC1 is on the minus strand). VCF-style: chr15-63659800-T-C. GRCh37 (hg19) VCF-style: chr15-63951999-T-C.
Identifiers: ClinVar variation 2645432 (VCV002645432.24), dbSNP rs763847277, ClinGen allele CA7604734.

ClinVar aggregate classification (germline): Likely benign (1 of 4 stars; one submission).

Allele frequency attached by ClinVar (database versions not stated): gnomAD exomes below 0.00001; TOPMed below 0.00001; ExAC 0.00001.
gnomAD v4.1: 2 of 1,613,978 alleles (0.00012%); highest among the groups gnomAD compares: Admixed American, 0.0017%; no homozygotes.

Submission:

CeGaT Center for Human Genetics Tuebingen
Classification: Likely benign. Last evaluated: 2022-05-01. Review status: criteria provided, single submitter. Criteria: CeGaT Center For Human Genetics Tuebingen Variant Classification Criteria Version 2. Collection method: clinical testing. Allele origin: germline. Affected: yes. Observed: 1 variant allele.
Comment: HERC1: BP4, BP7